The following is an entry in ClinVar:

ClinVar aggregate classification (germline): Uncertain significance (1 of 4 stars; one submission).

Conditions:
KBG syndrome (KBGS). Also called: ANKRD11-Related KBG Syndrome. Identifiers: Orphanet 2332, MedGen C0220687, MONDO:0007846, OMIM 148050.

Submission:

Labcorp Genetics (formerly Invitae), Labcorp
Classification: Uncertain significance for KBG syndrome. Last evaluated: 2025-06-09. Review status: criteria provided, single submitter. Criteria: Invitae Variant Classification Sherloc (09022015). Collection method: clinical testing. Allele origin: germline.
Comment: This sequence change replaces arginine, which is basic and polar, with glycine, which is neutral and non-polar, at codon 2232 of the ANKRD11 protein (p.Arg2232Gly). This variant is not present in population databases (gnomAD no frequency). This variant has not been reported in the literature in individuals affected with ANKRD11-related conditions. Invitae Evidence Modeling of protein sequence and biophysical properties (such as structural, functional, and spatial information, amino acid conservation, physicochemical variation, residue mobility, and thermodynamic stability) indicates that this missense variant is not expected to disrupt ANKRD11 protein function with a negative predictive value of 95%. In summary, the available evidence is currently insufficient to determine the role of this variant in disease. Therefore, it has been classified as a Variant of Uncertain Significance.

NM_013275.6(ANKRD11):c.6694C>G (p.Arg2232Gly)

Gene: ANKRD11 (ankyrin repeat domain 11; minus strand). Cytogenetic location: 16q24.3.
Variant type: single nucleotide variant.
Coding change: c.6694C>G on transcript NM_013275.6 (MANE Select); coding-DNA position 6694, C replaced by G.
Protein change: p.Arg2232Gly; replaces arginine 2232 with glycine.
Molecular consequence: missense variant.
Genome position (GRCh38, 1-based): chr16:89,279,848, G>C on the plus strand (C>G on the coding strand, the complement: ANKRD11 is on the minus strand). VCF-style: chr16-89279848-G-C. GRCh37 (hg19) VCF-style: chr16-89346256-G-C.
Other names: c.6694C>G, p.Arg2232Gly (NM_001256182.2, NM_001256183.2); short protein forms R2232G.
Identifiers: ClinVar variation 4739590 (VCV004739590.1).